The following is an entry in ClinVar:

NM_001378120.1(MBD5):c.3917A>T (p.Asp1306Val)

Gene: MBD5 (methyl-CpG binding domain protein 5; plus strand). Cytogenetic location: 2q23.1.
Variant type: single nucleotide variant.
Coding change: c.3917A>T on transcript NM_001378120.1 (MANE Select); coding-DNA position 3917, A replaced by T.
Protein change: p.Asp1306Val; replaces aspartic acid 1306 with valine.
Molecular consequence: missense variant.
Genome position (GRCh38, 1-based): chr2:148,489,549, A>T. VCF-style: chr2-148489549-A-T. GRCh37 (hg19) VCF-style: chr2-149247118-A-T.
Other names: c.3218A>T (NM_018328.4); c.3218A>T, p.Asp1073Val (NM_018328.5); short protein forms D1073V, D1306V.
Identifiers: ClinVar variation 2138202 (VCV002138202.5), dbSNP rs2470020895, ClinGen allele CA348725763.

ClinVar aggregate classification (germline): Uncertain significance. Review status: criteria provided, multiple submitters, no conflicts (2 of 4 stars). 2 submissions from 2 submitters: Uncertain significance (2). Last evaluated 2023-11-15.

Conditions:
Intellectual developmental disorder, autosomal dominant 1. Also called: Intellectual disability, autosomal dominant 1; MBD5 Haploinsufficiency. Identifiers: Orphanet 228402, MedGen C1969562, MONDO:0007974, OMIM 156200.

Submissions (2):

GeneDx
Classification: Uncertain significance. Last evaluated: 2023-11-15. Review status: criteria provided, single submitter. Criteria: GeneDx Variant Classification Process June 2021. Collection method: clinical testing. Allele origin: germline. Affected: yes.
Comment: Not observed at significant frequency in large population cohorts (gnomAD); In silico analysis supports that this missense variant does not alter protein structure/function; Has not been previously published as pathogenic or benign to our knowledge

Labcorp Genetics (formerly Invitae), Labcorp
Classification: Uncertain significance for Intellectual developmental disorder, autosomal dominant 1. Last evaluated: 2023-09-10. Review status: criteria provided, single submitter. Criteria: Invitae Variant Classification Sherloc (09022015). Collection method: clinical testing. Allele origin: germline.
Comment: This sequence change replaces aspartic acid, which is acidic and polar, with valine, which is neutral and non-polar, at codon 1073 of the MBD5 protein (p.Asp1073Val). This variant is not present in population databases (gnomAD no frequency). This variant has not been reported in the literature in individuals affected with MBD5-related conditions. ClinVar contains an entry for this variant (Variation ID: 2138202). Advanced modeling of protein sequence and biophysical properties (such as structural, functional, and spatial information, amino acid conservation, physicochemical variation, residue mobility, and thermodynamic stability) performed at Invitae indicates that this missense variant is not expected to disrupt MBD5 protein function. In summary, the available evidence is currently insufficient to determine the role of this variant in disease. Therefore, it has been classified as a Variant of Uncertain Significance.